The following is an entry in ClinVar:

NM_020461.4(TUBGCP6):c.3913G>C (p.Ala1305Pro)

Gene: TUBGCP6 (tubulin gamma complex component 6; minus strand). Cytogenetic location: 22q13.33.
Variant type: single nucleotide variant.
Coding change: c.3913G>C on transcript NM_020461.4 (MANE Select); coding-DNA position 3913, G replaced by C.
Protein change: p.Ala1305Pro; replaces alanine 1305 with proline.
Molecular consequence: missense variant.
Genome position (GRCh38, 1-based): chr22:50,220,446, C>G on the plus strand (G>C on the coding strand, the complement: TUBGCP6 is on the minus strand). VCF-style: chr22-50220446-C-G. GRCh37 (hg19) VCF-style: chr22-50658875-C-G.
Other names: short protein forms A1305P.
Identifiers: ClinVar variation 2106033 (VCV002106033.4), dbSNP rs1337593836, ClinGen allele CA412177759.
Genomic context (GRCh38, chr22:50,220,446, plus strand): 5'-CTTCTACAGGCAGCCGTGGCCCACAGTCCAGCACAGTGCTCTGTGCTCCCAGGCTGAGCG[C>G]TGACTGGGACGTGTGGCCAGGGGGGCTCTGTTGGGGCCTGGGTGTGTTGGGCTCAGCTTC-3'
Protein context (NP_065194.3, residues 1295-1315): QSPPGHTSQS[Ala1305Pro]LSLGAQSTVL

ClinVar aggregate classification (germline): Uncertain significance (1 of 4 stars; one submission).

Submission:

Labcorp Genetics (formerly Invitae), Labcorp
Classification: Uncertain significance. Last evaluated: 2022-11-01. Review status: criteria provided, single submitter. Criteria: Invitae Variant Classification Sherloc (09022015). Collection method: clinical testing. Allele origin: germline.
Comment: In summary, the available evidence is currently insufficient to determine the role of this variant in disease. Therefore, it has been classified as a Variant of Uncertain Significance. Algorithms developed to predict the effect of missense changes on protein structure and function are either unavailable or do not agree on the potential impact of this missense change (SIFT: "Tolerated"; PolyPhen-2: "Possibly Damaging"; Align-GVGD: "Class C0"). This variant has not been reported in the literature in individuals affected with TUBGCP6-related conditions. This variant is present in population databases (no rsID available, gnomAD 0.003%). This sequence change replaces alanine, which is neutral and non-polar, with proline, which is neutral and non-polar, at codon 1305 of the TUBGCP6 protein (p.Ala1305Pro).